The following is an entry in ClinVar:

ClinVar aggregate classification (germline): Benign/Likely benign. Review status: criteria provided, multiple submitters, no conflicts (2 of 4 stars). 9 submissions from 9 submitters: Benign (8); Likely benign (1). Last evaluated 2026-02-04.

Conditions:
Ichthyosis linearis circumflexa. Identifiers: MedGen C0265962, MONDO:0043106, HP:0025810.
Netherton syndrome (NETH). Also called: ERYTHRODERMA, ICHTHYOSIFORM, WITH HYPOTRICHOSIS AND HYPER-IgE; COMEL-NETHERTON SYNDROME; NETHERTON DISEASE. Identifiers: Orphanet 634, MedGen C5574950, MONDO:0009735, OMIM 256500.

Allele frequency attached by ClinVar (database versions not stated): ESP Exome Variant Server 0.42672; 1000 Genomes Project 30x 0.43067; 1000 Genomes Project 0.43291; gnomAD 0.44136 and 0.44626; TOPMed 0.44528; ExAC 0.50717; gnomAD exomes 0.51560 and 0.52045.
gnomAD v4.1: 819,905 of 1,612,000 alleles (51%); highest among the groups gnomAD compares: Admixed American, 66%; 213,501 homozygotes.

Submissions (9):

Labcorp Genetics (formerly Invitae), Labcorp
Classification: Benign for Ichthyosis linearis circumflexa. Last evaluated: 2026-02-04. Review status: criteria provided, single submitter. Criteria: Invitae Variant Classification Sherloc (09022015). Collection method: clinical testing. Allele origin: germline.

Women's Health and Genetics/Laboratory Corporation of America, LabCorp
Classification: Benign. Last evaluated: 2026-01-08. Review status: criteria provided, single submitter. Criteria: LabCorp Variant Classification Summary - May 2015. Collection method: clinical testing. Allele origin: germline.

Blueprint Genetics
Classification: Likely benign. Last evaluated: 2024-11-26. Review status: criteria provided, single submitter. Criteria: ACMG Guidelines, 2015. Collection method: clinical testing. Allele origin: germline.

Unidad de Genómica Garrahan, Hospital de Pediatría Garrahan
Classification: Benign. Last evaluated: 2024-01-24. Review status: criteria provided, single submitter. Criteria: ACMG Guidelines, 2015. Collection method: clinical testing. Allele origin: germline. Affected: no. Observed: 78 variant alleles.
Comment: This variant is classified as Benign based on local population frequency. This variant was detected in 89% of patients studied by a panel of primary immunodeficiencies. Number of patients: 78. Only high quality variants are reported.

Genome-Nilou Lab
Classification: Benign for Netherton syndrome. Last evaluated: 2021-07-15. Review status: criteria provided, single submitter. Criteria: ACMG Guidelines, 2015. Collection method: clinical testing. Allele origin: germline. Affected: no.

Mayo Clinic Laboratories, Mayo Clinic
Classification: Benign. Last evaluated: 2018-07-03. Review status: criteria provided, single submitter. Criteria: ACMG Guidelines, 2015. Collection method: clinical testing. Allele origin: germline. Observed: 98 variant alleles.

Illumina Laboratory Services, Illumina
Classification: Benign for Netherton syndrome. Last evaluated: 2018-01-13. Review status: criteria provided, single submitter. Criteria: ICSL Variant Classification Criteria 13 December 2019. Collection method: clinical testing. Allele origin: germline.
Comment: This variant was observed in the ICSL laboratory as part of a predisposition screen in an ostensibly healthy population. It had not been previously curated by ICSL or reported in the Human Gene Mutation Database (HGMD: prior to June 1st, 2018), and was therefore a candidate for classification through an automated scoring system. Utilizing variant allele frequency, disease prevalence and penetrance estimates, and inheritance mode, an automated score was calculated to assess if this variant is too frequent to cause the disease. Based on the score and internal cut-off values, a variant classified as benign is not then subjected to further curation. The score for this variant resulted in a classification of benign for this disease.

Laboratory for Molecular Medicine, Mass General Brigham Personalized Medicine
Classification: Benign. Last evaluated: 2016-03-28. Review status: criteria provided, single submitter. Criteria: LMM Criteria. Collection method: clinical testing. Allele origin: germline.
Comment: Variant identified in a genome or exome case(s) and assessed due to predicted null impact of the variant or pathogenic assertions in the literature or databases. Disclaimer: This variant has not undergone full assessment. The following are preliminary notes: Frequency

PreventionGenetics, part of Exact Sciences
Classification: Benign. Review status: criteria provided, single submitter. Criteria: ACMG Guidelines, 2015. Collection method: clinical testing. Allele origin: germline.

NM_006846.4(SPINK5):c.1188T>C (p.His396=)

Gene: SPINK5 (serine peptidase inhibitor Kazal type 5; plus strand). Cytogenetic location: 5q32.
Variant type: single nucleotide variant.
Coding change: c.1188T>C on transcript NM_006846.4 (MANE Select); coding-DNA position 1188, T replaced by C.
Protein change: p.His396=; no amino-acid change (histidine 396 retained).
Molecular consequence: synonymous variant.
Genome position (GRCh38, 1-based): chr5:148,100,549, T>C. VCF-style: chr5-148100549-T-C. GRCh37 (hg19) VCF-style: chr5-147480112-T-C.
Other names: p.His396=; c.1188T>C, p.His396= (NM_001127698.2, NM_001127699.2).
Identifiers: ClinVar variation 139259 (VCV000139259.25), dbSNP rs2303065, ClinGen allele CA293699.